The following is an entry in ClinVar:

ClinVar aggregate classification (germline): Likely pathogenic (0 of 4 stars; one submission).

Conditions:
Hereditary factor IX deficiency disease (HEMB). Also called: F9 DEFICIENCY; FACTOR IX DEFICIENCY; PLASMA THROMBOPLASTIN COMPONENT DEFICIENCY; Hemophilia B; Christmas Disease. Identifiers: Orphanet 98879, MedGen C0008533, MeSH D002836, MONDO:0010604, OMIM 306900.

Submission:

ISTH-SSC Genomics in Thrombosis and Hemostasis, KU Leuven, Center for Molecular and Vascular Biology
Classification: Likely pathogenic for Hereditary factor IX deficiency disease. Review status: no assertion criteria provided. Collection method: clinical testing. Allele origin: maternal. Affected: yes.
Comment: Submitted to GoldVariant by Bilal Jradeh from Katharine Dormandy Haemophilia and Thrombosis Centre, Royal Free Hospital, London, UK

NM_000133.4(F9):c.365G>T (p.Gly122Val)

Gene: F9 (coagulation factor IX; plus strand). Cytogenetic location: Xq27.1.
Variant type: single nucleotide variant.
Coding change: c.365G>T on transcript NM_000133.4 (MANE Select); coding-DNA position 365, G replaced by T.
Protein change: p.Gly122Val; replaces glycine 122 with valine.
Molecular consequence: missense variant. On other transcripts: intron variant (1).
Genome position (GRCh38, 1-based): chrX:139,541,163, G>T. VCF-style: chrX-139541163-G-T. GRCh37 (hg19) VCF-style: chrX-138623322-G-T.
Other names: c.277+3777G>T (NM_001313913.2); short protein forms G122V.
Identifiers: ClinVar variation 1684372 (VCV001684372.1), dbSNP rs1927592770, ClinGen allele CA414437818.